The following is an entry in ClinVar:

ClinVar aggregate classification (germline): Uncertain significance (1 of 4 stars; one submission).

Conditions:
Hereditary cancer-predisposing syndrome. Also called: Neoplastic Syndromes, Hereditary; Tumor predisposition; Hereditary neoplastic syndrome; Hereditary Cancer Syndrome. Identifiers: Orphanet 140162, MedGen C0027672, MeSH D009386, MONDO:0015356.

Submission:

Labcorp Genetics (formerly Invitae), Labcorp
Classification: Uncertain significance for Hereditary cancer-predisposing syndrome. Last evaluated: 2021-02-05. Review status: criteria provided, single submitter. Criteria: Invitae Variant Classification Sherloc (09022015). Collection method: clinical testing. Allele origin: germline.
Comment: In summary, the available evidence is currently insufficient to determine the role of this variant in disease. Therefore, it has been classified as a Variant of Uncertain Significance. This sequence change replaces isoleucine with leucine at codon 442 of the RAD50 protein (p.Ile442Leu). The isoleucine residue is weakly conserved and there is a small physicochemical difference between isoleucine and leucine. This variant is not present in population databases (ExAC no frequency). This variant has not been reported in the literature in individuals with RAD50-related conditions. Algorithms developed to predict the effect of missense changes on protein structure and function (SIFT, PolyPhen-2, Align-GVGD) all suggest that this variant is likely to be tolerated, but these predictions have not been confirmed by published functional studies and their clinical significance is uncertain.

NM_005732.4(RAD50):c.1324A>T (p.Ile442Leu)

Gene: RAD50 (RAD50 double strand break repair protein; plus strand). Cytogenetic location: 5q31.1.
Variant type: single nucleotide variant.
Coding change: c.1324A>T on transcript NM_005732.4 (MANE Select); coding-DNA position 1324, A replaced by T.
Protein change: p.Ile442Leu; replaces isoleucine 442 with leucine.
Molecular consequence: missense variant.
Genome position (GRCh38, 1-based): chr5:132,589,709, A>T. VCF-style: chr5-132589709-A-T. GRCh37 (hg19) VCF-style: chr5-131925401-A-T.
Other names: short protein forms I442L.
Identifiers: ClinVar variation 1355969 (VCV001355969.8), dbSNP rs2149841492, ClinGen allele CA360943842.